The following is an entry in ClinVar:

ClinVar aggregate classification (germline): Uncertain significance. Review status: criteria provided, multiple submitters, no conflicts (2 of 4 stars). 2 submissions from 2 submitters: Uncertain significance (2). Last evaluated 2022-09-30.

Conditions:
Inborn genetic diseases. Identifiers: MedGen C0950123, MeSH D030342.

Allele frequency attached by ClinVar (database versions not stated): gnomAD exomes 0.00002 and 0.00006; ExAC 0.00007; gnomAD 0.00016 and 0.00017; TOPMed 0.00019; ESP Exome Variant Server 0.00023.
gnomAD v4.1: 54 of 1,613,998 alleles (0.0033%); highest among the groups gnomAD compares: African/African-American, 0.055%; no homozygotes.

Submissions (2):

Ambry Genetics
Classification: Uncertain significance for Inborn genetic diseases. Last evaluated: 2022-09-30. Review status: criteria provided, single submitter. Criteria: Ambry Variant Classification Scheme 2023. Collection method: clinical testing. Allele origin: germline.

GeneDx
Classification: Uncertain significance. Last evaluated: 2022-01-28. Review status: criteria provided, single submitter. Criteria: GeneDx Variant Classification Process June 2021. Collection method: clinical testing. Allele origin: germline. Affected: yes.
Comment: In silico analysis supports that this missense variant has a deleterious effect on protein structure/function; Has not been previously published as pathogenic or benign to our knowledge

NM_003235.5(TG):c.6191A>G (p.Gln2064Arg)

Gene: TG (thyroglobulin; plus strand). Cytogenetic location: 8q24.22.
Variant type: single nucleotide variant.
Coding change: c.6191A>G on transcript NM_003235.5 (MANE Select); coding-DNA position 6191, A replaced by G.
Protein change: p.Gln2064Arg; replaces glutamine 2064 with arginine.
Molecular consequence: missense variant.
Genome position (GRCh38, 1-based): chr8:132,972,733, A>G. VCF-style: chr8-132972733-A-G. GRCh37 (hg19) VCF-style: chr8-133984978-A-G.
Other names: short protein forms Q2064R.
Identifiers: ClinVar variation 1699740 (VCV001699740.5), dbSNP rs143645885, ClinGen allele CA4884803.